The following is an entry in ClinVar:

ClinVar aggregate classification (germline): Uncertain significance. Review status: criteria provided, multiple submitters, no conflicts (2 of 4 stars). 5 submissions from 5 submitters: Uncertain significance (5). Last evaluated 2025-06-07.

Conditions:
RYR1-related disorder. Also called: RYR1-related disorders; RYR1-related condition. Identifiers: MedGen CN239331.
Inborn genetic diseases. Identifiers: MedGen C0950123, MeSH D030342.
Malignant hyperthermia, susceptibility to, 1 (MHS1). Also called: Malignant hyperthermia suceptibility 1; RYR1-Related Malignant Hyperthermia Susceptibility; Anesthesia related hyperthermia; Malignant hyperpyrexia; Fulminating hyperpyrexia; Pharmacogenic myopathy. Identifiers: Orphanet 423, MedGen C2930980, MONDO:0007783, OMIM 145600.

Allele frequency attached by ClinVar (database versions not stated): gnomAD 0.00002; TOPMed 0.00002.
gnomAD v4.1: 21 of 1,613,746 alleles (0.0013%); highest among the groups gnomAD compares: Admixed American, 0.0017%; no homozygotes.

Submissions (5):

Ambry Genetics
Classification: Uncertain significance for Inborn genetic diseases. Last evaluated: 2025-06-07. Review status: criteria provided, single submitter. Criteria: Ambry Variant Classification Scheme 2023. Collection method: clinical testing. Allele origin: germline.

All of Us Research Program, National Institutes of Health
Classification: Uncertain significance for Malignant hyperthermia, susceptibility to, 1. Last evaluated: 2024-09-11. Review status: criteria provided, single submitter. Criteria: ACMG Guidelines, 2015. Collection method: clinical testing. Allele origin: germline. Inheritance: Autosomal dominant inheritance. Observed: 6 variant alleles, 6 heterozygotes.
Comment: This missense variant replaces arginine with histidine at codon 843 of the RYR1 protein. Computational prediction suggests that this variant may not impact protein structure and function (internally defined REVEL score threshold <= 0.5, PMID: 27666373). To our knowledge, functional studies have not been reported for this variant. This variant has not been reported in individuals affected with RYR1-related disorders in the literature. This variant has been identified in 1/282342 chromosomes in the general population by the Genome Aggregation Database (gnomAD). The available evidence is insufficient to determine the role of this variant in disease conclusively. Therefore, this variant is classified as a Variant of Uncertain Significance.

This study involves interpretation of variants in research participants for the purpose of population health screening. Participant phenotype was not available at the time of variant classification. Additional details can be found in publication PMID: 35346344, PMCID: PMC8962531

Labcorp Genetics (formerly Invitae), Labcorp
Classification: Uncertain significance for RYR1-related disorder. Last evaluated: 2024-05-02. Review status: criteria provided, single submitter. Criteria: Invitae Variant Classification Sherloc (09022015). Collection method: clinical testing. Allele origin: germline.
Comment: This sequence change replaces arginine, which is basic and polar, with histidine, which is basic and polar, at codon 843 of the RYR1 protein (p.Arg843His). This variant is present in population databases (no rsID available, gnomAD 0.0008%). This variant has not been reported in the literature in individuals affected with RYR1-related conditions. ClinVar contains an entry for this variant (Variation ID: 425175). Advanced modeling of protein sequence and biophysical properties (such as structural, functional, and spatial information, amino acid conservation, physicochemical variation, residue mobility, and thermodynamic stability) performed at Invitae indicates that this missense variant is not expected to disrupt RYR1 protein function with a negative predictive value of 95%. In summary, the available evidence is currently insufficient to determine the role of this variant in disease. Therefore, it has been classified as a Variant of Uncertain Significance.

Color Diagnostics, LLC DBA Color Health
Classification: Uncertain significance for Malignant hyperthermia, susceptibility to, 1. Last evaluated: 2023-11-22. Review status: criteria provided, single submitter. Criteria: ACMG Guidelines, 2015. Collection method: clinical testing. Allele origin: germline.
Comment: This missense variant replaces arginine with histidine at codon 843 of the RYR1 protein. Computational prediction suggests that this variant may not impact protein structure and function. To our knowledge, functional studies have not been reported for this variant. This variant has not been reported in individuals affected with RYR1-related disorders in the literature. This variant has been identified in 1/282342 chromosomes in the general population by the Genome Aggregation Database (gnomAD). The available evidence is insufficient to determine the role of this variant in disease conclusively. Therefore, this variant is classified as a Variant of Uncertain Significance.

CeGaT Center for Human Genetics Tuebingen
Classification: Uncertain significance. Last evaluated: 2016-10-01. Review status: criteria provided, single submitter. Criteria: CeGaT Center For Human Genetics Tuebingen Variant Classification Criteria Version 2. Collection method: clinical testing. Allele origin: germline. Affected: yes. Observed: 1 variant allele.

NM_000540.3(RYR1):c.2528G>A (p.Arg843His)

Gene: RYR1 (ryanodine receptor 1; plus strand). Cytogenetic location: 19q13.2.
Variant type: single nucleotide variant.
Coding change: c.2528G>A on transcript NM_000540.3 (MANE Select); coding-DNA position 2528, G replaced by A.
Protein change: p.Arg843His; replaces arginine 843 with histidine.
Molecular consequence: missense variant.
Genome position (GRCh38, 1-based): chr19:38,460,542, G>A. VCF-style: chr19-38460542-G-A. GRCh37 (hg19) VCF-style: chr19-38951182-G-A.
Other names: c.2528G>A, p.Arg843His (NM_001042723.2); c.2528G>A (NM_000540.2); short protein forms R843H.
Identifiers: ClinVar variation 425175 (VCV000425175.50), dbSNP rs144911352, ClinGen allele CA16621732.